The following is an entry in ClinVar:

NM_001244008.2(KIF1A):c.773C>A (p.Thr258Lys)

Gene: KIF1A (kinesin family member 1A; minus strand). Cytogenetic location: 2q37.3.
Variant type: single nucleotide variant.
Coding change: c.773C>A on transcript NM_001244008.2 (MANE Select); coding-DNA position 773, C replaced by A.
Protein change: p.Thr258Lys; replaces threonine 258 with lysine.
Molecular consequence: missense variant.
Genome position (GRCh38, 1-based): chr2:240,783,764, G>T on the plus strand (C>A on the coding strand, the complement: KIF1A is on the minus strand). VCF-style: chr2-240783764-G-T. GRCh37 (hg19) VCF-style: chr2-241723181-G-T.
Other names: c.773C>A, p.Thr258Lys (NM_001320705.2, NM_001330289.2, NM_001330290.2 and 20 more transcripts); short protein forms T258K.
Identifiers: ClinVar variation 1507070 (VCV001507070.8), dbSNP rs1553638086, ClinGen allele CA351303030.

ClinVar aggregate classification (germline): Likely pathogenic (1 of 4 stars; one submission).

Conditions:
Hereditary spastic paraplegia 30. Identifiers: Orphanet 101010, MedGen C5235139, MONDO:0012476.
Neuropathy, hereditary sensory, type 2C. Also called: KIF1A-Related HSAN2 (HSAN2C); Hereditary sensory and autonomic neuropathy type IIC. Identifiers: Orphanet 970, MedGen C3280168, MONDO:0013634, OMIM 614213.
Intellectual disability, autosomal dominant 9 (NESCAVS). Also called: KIF1A-Related Neurodevelopmental Disorder; NESCAV SYNDROME. Identifiers: Orphanet 662367, MedGen C5393830, MONDO:0013656, OMIM 614255.

Submission:

Labcorp Genetics (formerly Invitae), Labcorp
Classification: Likely pathogenic for Hereditary spastic paraplegia 30; Neuropathy, hereditary sensory, type 2C; Intellectual disability, autosomal dominant 9. Last evaluated: 2021-04-21. Review status: criteria provided, single submitter. Criteria: Invitae Variant Classification Sherloc (09022015). Collection method: clinical testing. Allele origin: germline.
Comment: In summary, the currently available evidence indicates that the variant is pathogenic, but additional data are needed to prove that conclusively. Therefore, this variant has been classified as Likely Pathogenic. This variant disrupts the p.Thr258 amino acid residue in KIF1A. Other variant(s) that disrupt this residue have been determined to be pathogenic (PMID: 28970574, Invitae). This suggests that this residue is clinically significant, and that variants that disrupt this residue are likely to be disease-causing. Advanced modeling of protein sequence and biophysical properties (such as structural, functional, and spatial information, amino acid conservation, physicochemical variation, residue mobility, and thermodynamic stability) performed at Invitae indicates that this missense variant is expected to disrupt KIF1A protein function. This variant has not been reported in the literature in individuals with KIF1A-related conditions. This variant is not present in population databases (ExAC no frequency). This sequence change replaces threonine with lysine at codon 258 of the KIF1A protein (p.Thr258Lys). The threonine residue is moderately conserved and there is a moderate physicochemical difference between threonine and lysine.

Literature cited by the submitters: PubMed 28970574.